The following is an entry in ClinVar:

NM_001267550.2(TTN):c.102115T>C (p.Phe34039Leu)

Genes: TTN-AS1 (TTN antisense RNA 1; plus strand), TTN (titin; minus strand). Cytogenetic location: 2q31.2.
Variant type: single nucleotide variant.
Coding change: c.102115T>C on transcript NM_001267550.2 (MANE Select); coding-DNA position 102115, T replaced by C.
Protein change: p.Phe34039Leu; replaces phenylalanine 34039 with leucine.
Molecular consequence: missense variant.
Genome position (GRCh38, 1-based): chr2:178,534,500, A>G on the plus strand (T>C on the coding strand, the complement: TTN is on the minus strand). VCF-style: chr2-178534500-A-G. GRCh37 (hg19) VCF-style: chr2-179399227-A-G.
Other names: c.97192T>C, p.Phe32398Leu (NM_001256850.1); c.74920T>C, p.Phe24974Leu (NM_003319.4); c.94411T>C, p.Phe31471Leu (NM_133378.4); c.75295T>C, p.Phe25099Leu (NM_133432.3); c.75496T>C, p.Phe25166Leu (NM_133437.4); short protein forms F31471L, F25166L, F24974L, F25099L, F32398L, F34039L.
Identifiers: ClinVar variation 1487756 (VCV001487756.6), dbSNP rs1178807411, ClinGen allele CA349418328.

ClinVar aggregate classification (germline): Uncertain significance (1 of 4 stars; one submission).

Conditions:
Dilated cardiomyopathy 1G (CMD1G). Identifiers: Orphanet 154, MedGen C1858763, MONDO:0011400, OMIM 604145.
Autosomal recessive limb-girdle muscular dystrophy type 2J (LGMDR10). Also called: Limb-girdle muscular dystrophy, type 2J; MUSCULAR DYSTROPHY, LIMB-GIRDLE, AUTOSOMAL RECESSIVE 10. Identifiers: Orphanet 140922, MedGen C1837342, MONDO:0012127, OMIM 608807.

Allele frequency attached by ClinVar (database versions not stated): gnomAD exomes below 0.00001.
gnomAD v4.1: 1 of 1,613,806 alleles (0.000062%); highest among the groups gnomAD compares: Admixed American, 0.0017%; no homozygotes.

Submission:

Labcorp Genetics (formerly Invitae), Labcorp
Classification: Uncertain significance for Dilated cardiomyopathy 1G; Autosomal recessive limb-girdle muscular dystrophy type 2J. Last evaluated: 2021-03-14. Review status: criteria provided, single submitter. Criteria: Invitae Variant Classification Sherloc (09022015). Collection method: clinical testing. Allele origin: germline.
Comment: This variant has not been reported in the literature in individuals with TTN-related conditions. Experimental studies and prediction algorithms are not available or were not evaluated, and the functional significance of this variant is currently unknown. This variant is located in the M band of TTN (PMID: 25589632). Variants in this region may be relevant for neuromuscular disorders, but have not been definitively shown to cause cardiomyopathy (PMID: 23975875). In summary, the available evidence is currently insufficient to determine the role of this variant in disease. Therefore, it has been classified as a Variant of Uncertain Significance. This sequence change replaces phenylalanine with leucine at codon 34039 of the TTN protein (p.Phe34039Leu). There is a small physicochemical difference between phenylalanine and leucine. This variant is not present in population databases (ExAC no frequency).

Literature cited by the submitters: PubMed 25589632; PubMed 23975875.